The following is an entry in ClinVar:

NM_021098.3(CACNA1H):c.5795A>C (p.Tyr1932Ser)

Gene: CACNA1H (calcium voltage-gated channel subunit alpha1 H; plus strand). Cytogenetic location: 16p13.3.
Variant type: single nucleotide variant.
Coding change: c.5795A>C on transcript NM_021098.3 (MANE Select); coding-DNA position 5795, A replaced by C.
Protein change: p.Tyr1932Ser; replaces tyrosine 1932 with serine.
Molecular consequence: missense variant.
Genome position (GRCh38, 1-based): chr16:1,218,559, A>C. VCF-style: chr16-1218559-A-C. GRCh37 (hg19) VCF-style: chr16-1268559-A-C.
Other names: c.5777A>C, p.Tyr1926Ser (NM_001005407.2); short protein forms Y1926S, Y1932S.
Identifiers: ClinVar variation 941996 (VCV000941996.9), dbSNP rs917012995, ClinGen allele CA276612656.

ClinVar aggregate classification (germline): Uncertain significance (1 of 4 stars; one submission).

Conditions:
Idiopathic generalized epilepsy. Also called: Generalised epilepsy; EIG. Identifiers: MedGen C0270850, MONDO:0005579, OMIM 600669.
Hyperaldosteronism, familial, type IV (HALD4). Also called: FH IV; ALDOSTERONISM, PRIMARY, AND HYPERTENSION. Identifiers: Orphanet 642671, MedGen C4310756, MONDO:0014875, OMIM 617027.

Allele frequency attached by ClinVar (database versions not stated): gnomAD 0.00002; TOPMed 0.00005.
gnomAD v4.1: 3 of 1,563,440 alleles (0.00019%); highest among the groups gnomAD compares: African/African-American, 0.0041%; no homozygotes.

Submission:

Labcorp Genetics (formerly Invitae), Labcorp
Classification: Uncertain significance for Idiopathic generalized epilepsy; Hyperaldosteronism, familial, type IV. Last evaluated: 2025-05-01. Review status: criteria provided, single submitter. Criteria: Invitae Variant Classification Sherloc (09022015). Collection method: clinical testing. Allele origin: germline.
Comment: This sequence change replaces tyrosine, which is neutral and polar, with serine, which is neutral and polar, at codon 1932 of the CACNA1H protein (p.Tyr1932Ser). This variant is not present in population databases (gnomAD no frequency). This variant has not been reported in the literature in individuals affected with CACNA1H-related conditions. ClinVar contains an entry for this variant (Variation ID: 941996). Invitae Evidence Modeling of protein sequence and biophysical properties (such as structural, functional, and spatial information, amino acid conservation, physicochemical variation, residue mobility, and thermodynamic stability) indicates that this missense variant is not expected to disrupt CACNA1H protein function with a negative predictive value of 80%. In summary, the available evidence is currently insufficient to determine the role of this variant in disease. Therefore, it has been classified as a Variant of Uncertain Significance.